The following is an entry in ClinVar:

ClinVar aggregate classification (germline): Likely benign (1 of 4 stars; one submission).

Submission:

GeneDx
Classification: Likely benign. Last evaluated: 2018-06-14. Review status: criteria provided, single submitter. Criteria: GeneDx Variant Classification (06012015). Collection method: clinical testing. Allele origin: germline. Affected: yes.
Comment: This variant is considered likely benign or benign based on one or more of the following criteria: it is a conservative change, it occurs at a poorly conserved position in the protein, it is predicted to be benign by multiple in silico algorithms, and/or has population frequency not consistent with disease.

NM_004519.4(KCNQ3):c.-139del

Gene: KCNQ3 (potassium voltage-gated channel subfamily Q member 3; minus strand). Cytogenetic location: 8q24.22.
Variant type: Deletion.
Coding change: c.-139del on transcript NM_004519.4 (MANE Select); 139 bases upstream of the start codon, one base deleted (G; older notation c.-139delG).
Molecular consequence: 5 prime UTR variant.
Genome position (GRCh38, 1-based): chr8:132,480,671, C deleted on the plus strand (G on the coding strand, the reverse complement: KCNQ3 is on the minus strand); the first of 9 consecutive C bases (chr8:132,480,671-132,480,679); deleting any one gives the same sequence. VCF-style (leftmost placement, unchanged base first): chr8-132480670-AC-A. GRCh37 (hg19) VCF-style: chr8-133492917-AC-A.
Identifiers: ClinVar variation 670921 (VCV000670921.1), dbSNP rs879019805, ClinGen allele CA585250595.